The following is an entry in ClinVar:

NM_152892.3(LRWD1):c.1580G>A (p.Arg527Lys)

Gene: LRWD1 (leucine rich repeats and WD repeat domain containing 1; plus strand). Cytogenetic location: 7q22.1.
Variant type: single nucleotide variant.
Coding change: c.1580G>A on transcript NM_152892.3 (MANE Select); coding-DNA position 1580, G replaced by A.
Protein change: p.Arg527Lys; replaces arginine 527 with lysine.
Molecular consequence: missense variant.
Genome position (GRCh38, 1-based): chr7:102,472,499, G>A. VCF-style: chr7-102472499-G-A. GRCh37 (hg19) VCF-style: chr7-102112946-G-A.
Other names: c.1124G>A, p.Arg375Lys (NM_001317721.2); short protein forms R375K, R527K.
Identifiers: ClinVar variation 4829500 (VCV004829500.1).

ClinVar aggregate classification (germline): Uncertain significance (1 of 4 stars; one submission).

gnomAD v4.1: 8 of 1,548,426 alleles (0.00052%); highest among the groups gnomAD compares: Non-Finnish European, 0.0007%; no homozygotes.

Submission:

Ambry Genetics
Classification: Uncertain significance. Last evaluated: 2026-01-26. Review status: criteria provided, single submitter. Criteria: Ambry Variant Classification Scheme 2023. Collection method: clinical testing. Allele origin: germline.
Comment: The c.1580G>A (p.R527K) alteration is located in exon 13 (coding exon 13) of the LRWD1 gene. This alteration results from a G to A substitution at nucleotide position 1580, causing the arginine (R) at amino acid position 527 to be replaced by a lysine (K). Based on data from gnomAD, the A allele has an overall frequency of 0.001% (2/152480) total alleles studied. The highest observed frequency was 0.003% (2/59102) of European (non-Finnish) alleles. Based on insufficient or conflicting evidence, the clinical significance of this alteration remains unclear.